The following is an entry in ClinVar:

ClinVar aggregate classification (germline): Benign. Review status: criteria provided, multiple submitters, no conflicts (2 of 4 stars). 3 submissions from 3 submitters: Benign (3). Last evaluated 2024-01-24.

Allele frequency attached by ClinVar (database versions not stated): 1000 Genomes Project 0.16134; 1000 Genomes Project 30x 0.16490; TOPMed 0.17796; gnomAD 0.17875 and 0.17883; ESP Exome Variant Server 0.19437.
gnomAD v4.1: 312,203 of 1,583,030 alleles (20%); highest among the groups gnomAD compares: Middle Eastern, 26%; 31,846 homozygotes.

Submissions (3):

Unidad de Genómica Garrahan, Hospital de Pediatría Garrahan
Classification: Benign. Last evaluated: 2024-01-24. Review status: criteria provided, single submitter. Criteria: ACMG Guidelines, 2015. Collection method: clinical testing. Allele origin: germline. Affected: no. Observed: 20 variant alleles.
Comment: This variant is classified as Benign based on local population frequency. This variant was detected in 21% of patients studied by a panel of primary immunodeficiencies. Number of patients: 20. Only high quality variants are reported.

GeneDx
Classification: Benign. Last evaluated: 2018-11-10. Review status: criteria provided, single submitter. Criteria: GeneDx Variant Classification Process June 2021. Collection method: clinical testing. Allele origin: germline. Affected: yes.

Breakthrough Genomics
Classification: Benign. Review status: criteria provided, single submitter. Criteria: ACMG Guidelines, 2015. Collection method: not provided. Allele origin: germline. Inheritance: Autosomal recessive inheritance. Affected: yes.

NM_001006658.3(CR2):c.734+51G>A

Gene: CR2 (complement C3d receptor 2; plus strand). Cytogenetic location: 1q32.2.
Variant type: single nucleotide variant.
Coding change: c.734+51G>A on transcript NM_001006658.3 (MANE Select); 51 bases into the intron after coding-DNA position 734, G replaced by A.
Molecular consequence: intron variant.
Genome position (GRCh38, 1-based): chr1:207,468,950, G>A. VCF-style: chr1-207468950-G-A. GRCh37 (hg19) VCF-style: chr1-207642295-G-A.
Other names: c.734+51G>A (NM_001877.5).
Identifiers: ClinVar variation 1278921 (VCV001278921.4), dbSNP rs1507764, ClinGen allele CA1368523.